The following is an entry in ClinVar:

ClinVar aggregate classification (germline): Uncertain significance (1 of 4 stars; one submission).

Conditions:
Hereditary cancer-predisposing syndrome. Also called: Hereditary Cancer Syndrome; Hereditary neoplastic syndrome; Neoplastic Syndromes, Hereditary; Tumor predisposition. Identifiers: Orphanet 140162, MedGen C0027672, MeSH D009386, MONDO:0015356.

Submission:

Ambry Genetics
Classification: Uncertain significance for Hereditary cancer-predisposing syndrome. Last evaluated: 2025-09-14. Review status: criteria provided, single submitter. Criteria: Ambry Variant Classification Scheme 2023. Collection method: clinical testing. Allele origin: germline.
Comment: The p.R41G variant (also known as c.121C>G), located in coding exon 1 of the ALK gene, results from a C to G substitution at nucleotide position 121. The arginine at codon 41 is replaced by glycine, an amino acid with dissimilar properties. This amino acid position is conserved. In addition, the in silico prediction for this alteration is inconclusive. Based on the available evidence, the clinical significance of this variant remains unclear.

NM_004304.5(ALK):c.121C>G (p.Arg41Gly)

Gene: ALK (ALK receptor tyrosine kinase; minus strand). Cytogenetic location: 2p23.1.
Variant type: single nucleotide variant.
Coding change: c.121C>G on transcript NM_004304.5 (MANE Select); coding-DNA position 121, C replaced by G.
Protein change: p.Arg41Gly; replaces arginine 41 with glycine.
Molecular consequence: missense variant.
Genome position (GRCh38, 1-based): chr2:29,920,539, G>C on the plus strand (C>G on the coding strand, the complement: ALK is on the minus strand). VCF-style: chr2-29920539-G-C. GRCh37 (hg19) VCF-style: chr2-30143405-G-C.
Other names: short protein forms R41G.
Identifiers: ClinVar variation 4273322 (VCV004273322.1).